The following is an entry in ClinVar:

NM_001130823.3(DNMT1):c.3408C>G (p.Pro1136=)

Gene: DNMT1 (DNA methyltransferase 1; minus strand). Cytogenetic location: 19p13.2.
Variant type: single nucleotide variant.
Coding change: c.3408C>G on transcript NM_001130823.3 (MANE Select); coding-DNA position 3408, C replaced by G.
Protein change: p.Pro1136=; no amino-acid change (proline 1136 retained).
Molecular consequence: synonymous variant.
Genome position (GRCh38, 1-based): chr19:10,140,896, G>C on the plus strand (C>G on the coding strand, the complement: DNMT1 is on the minus strand). VCF-style: chr19-10140896-G-C. GRCh37 (hg19) VCF-style: chr19-10251572-G-C.
Other names: c.3408C>G (LRG_362t1, NM_001130823.2); c.3360C>G, p.Pro1120= (NM_001318730.2, NM_001379.4); c.3045C>G, p.Pro1015= (NM_001318731.2).
Identifiers: ClinVar variation 327894 (VCV000327894.57), dbSNP rs144675407, ClinGen allele CA9187753.

ClinVar aggregate classification (germline): Benign/Likely benign. Review status: criteria provided, multiple submitters, no conflicts (2 of 4 stars). 5 submissions from 5 submitters: Benign (3); Likely benign (1). 1 of the submissions does not count toward it. Last evaluated 2026-01-09.

Conditions:
DNMT1-related disorder. Also called: DNMT1-related condition. Identifiers: MedGen CN381527.
Hereditary sensory neuropathy-deafness-dementia syndrome. Also called: NEUROPATHY, HEREDITARY SENSORY, WITH HEARING LOSS AND DEMENTIA; Hereditary Sensory and Autonomic Neuropathy Type 1E (HSAN1E); HSN IE; Hereditary sensory neuropathy type IE. Identifiers: Orphanet 456318, MedGen C3279885, MONDO:0013584, OMIM 614116.

Allele frequency attached by ClinVar (database versions not stated): gnomAD 0.00035 and 0.00054; gnomAD exomes 0.00044 and 0.00084; TOPMed 0.00048; ExAC 0.00083; 1000 Genomes Project 30x 0.00234; 1000 Genomes Project 0.00280.
gnomAD v4.1: 726 of 1,614,050 alleles (0.045%); highest among the groups gnomAD compares: East Asian, 1.5%; 12 homozygotes.

Submissions (5):

Labcorp Genetics (formerly Invitae), Labcorp
Classification: Benign for Hereditary sensory neuropathy-deafness-dementia syndrome. Last evaluated: 2026-01-09. Review status: criteria provided, single submitter. Criteria: Invitae Variant Classification Sherloc (09022015). Collection method: clinical testing. Allele origin: germline.

Blueprint Genetics
Classification: Likely benign. Last evaluated: 2024-10-11. Review status: criteria provided, single submitter. Criteria: ACMG Guidelines, 2015. Collection method: clinical testing. Allele origin: germline.

GeneDx
Classification: Benign. Last evaluated: 2020-11-04. Review status: criteria provided, single submitter. Criteria: GeneDx Variant Classification Process June 2021. Collection method: clinical testing. Allele origin: germline. Affected: yes.

Illumina Laboratory Services, Illumina
Classification: Benign for Hereditary sensory neuropathy-deafness-dementia syndrome. Last evaluated: 2018-01-12. Review status: criteria provided, single submitter. Criteria: ICSL Variant Classification Criteria 13 December 2019. Collection method: clinical testing. Allele origin: germline.
Comment: This variant was observed in the ICSL laboratory as part of a predisposition screen in an ostensibly healthy population. It had not been previously curated by ICSL or reported in the Human Gene Mutation Database (HGMD: prior to June 1st, 2018), and was therefore a candidate for classification through an automated scoring system. Utilizing variant allele frequency, disease prevalence and penetrance estimates, and inheritance mode, an automated score was calculated to assess if this variant is too frequent to cause the disease. Based on the score and internal cut-off values, a variant classified as benign is not then subjected to further curation. The score for this variant resulted in a classification of benign for this disease.

PreventionGenetics, part of Exact Sciences
Classification: Benign for DNMT1-related condition. Last evaluated: 2019-04-25. Review status: no assertion criteria provided. Collection method: clinical testing. Allele origin: germline. Not counted in ClinVar's aggregate classification.
Comment: This variant is classified as benign based on ACMG/AMP sequence variant interpretation guidelines (Richards et al. 2015 PMID: 25741868, with internal and published modifications).